The following is an entry in ClinVar:

ClinVar aggregate classification (germline): Pathogenic (1 of 4 stars; one submission).

gnomAD v4.1: 1 of 1,611,268 alleles (0.000062%); highest among the groups gnomAD compares: Non-Finnish European, 0.000085%; no homozygotes.

Submission:

Labcorp Genetics (formerly Invitae), Labcorp
Classification: Pathogenic. Last evaluated: 2024-11-07. Review status: criteria provided, single submitter. Criteria: Invitae Variant Classification Sherloc (09022015). Collection method: clinical testing. Allele origin: germline.
Comment: This sequence change creates a premature translational stop signal (p.Tyr151*) in the P3H2 gene. It is expected to result in an absent or disrupted protein product. Loss-of-function variants in P3H2 are known to be pathogenic (PMID: 24172257, 25469533). This variant is not present in population databases (gnomAD no frequency). This variant has not been reported in the literature in individuals affected with P3H2-related conditions. For these reasons, this variant has been classified as Pathogenic.

Literature cited by the submitters: PubMed 24172257; PubMed 25469533.

NM_018192.4(P3H2):c.453C>G (p.Tyr151Ter)

Gene: P3H2 (prolyl 3-hydroxylase 2; minus strand). Cytogenetic location: 3q28.
Variant type: single nucleotide variant.
Coding change: c.453C>G on transcript NM_018192.4 (MANE Select); coding-DNA position 453, C replaced by G.
Protein change: p.Tyr151Ter; replaces tyrosine 151 with a stop codon.
Molecular consequence: nonsense. On other transcripts: intron variant (1).
Genome position (GRCh38, 1-based): chr3:190,120,279, G>C on the plus strand (C>G on the coding strand, the complement: P3H2 is on the minus strand). VCF-style: chr3-190120279-G-C. GRCh37 (hg19) VCF-style: chr3-189838068-G-C.
Other names: c.-64+1924C>G (NM_001134418.2); short protein forms Y151*.
Identifiers: ClinVar variation 3612440 (VCV003612440.2).
Genomic context (GRCh38, chr3:190,120,279, plus strand): 5'-GGGCTTTGCAGTGGAGGAGCGCTCTGTGGGTACCTTGATGTAGGCCCGCTGCAGGTAGTT[G>C]TAGGGCACTCTGCGCTGGAAGTCGCTGCGCACATCCTCGCTGACGCGGTGGCGGGATGCG-3'